The following is an entry in ClinVar:

ClinVar aggregate classification (germline): Uncertain significance (1 of 4 stars; one submission).

Submission:

Labcorp Genetics (formerly Invitae), Labcorp
Classification: Uncertain significance. Last evaluated: 2025-04-10. Review status: criteria provided, single submitter. Criteria: Invitae Variant Classification Sherloc (09022015). Collection method: clinical testing. Allele origin: germline.
Comment: This variant, c.1602_1610dup, results in the insertion of 3 amino acid(s) of the CTNNA1 protein (p.Val535_Gly537dup), but otherwise preserves the integrity of the reading frame. This variant is not present in population databases (gnomAD no frequency). This variant has not been reported in the literature in individuals affected with CTNNA1-related conditions. In summary, the available evidence is currently insufficient to determine the role of this variant in disease. Therefore, it has been classified as a Variant of Uncertain Significance.

NM_001903.5(CTNNA1):c.1602_1610dup (p.Gly537_Leu538insValAspGly)

Gene: CTNNA1 (catenin alpha 1; plus strand). Cytogenetic location: 5q31.2.
Variant type: Duplication.
Coding change: c.1602_1610dup on transcript NM_001903.5 (MANE Select); coding-DNA positions 1602 to 1610, 9 bases duplicated (TGTGGATGG; older notation c.1602_1610dupTGTGGATGG).
Protein change: p.Gly537_Leu538insValAspGly.
Genome position (GRCh38, 1-based): chr5:138,924,565-138,924,573, TGTGGATGG duplicated. VCF-style (leftmost placement, unchanged base first): chr5-138924564-A-ATGTGGATGG. GRCh37 (hg19) VCF-style: chr5-138260253-A-ATGTGGATGG.
Other names: c.492_500dup, p.Gly167_Leu168insValAspGly (NM_001323995.1, NM_001323996.1, NM_001323997.1 and 17 more transcripts); c.153_161dup, p.Gly54_Leu55insValAspGly (NM_001324006.1, NM_001324007.1, NM_001324008.1 and 2 more transcripts); c.399_407dup, p.Gly136_Leu137insValAspGly (NM_001324011.1); c.249_257dup, p.Gly86_Leu87insValAspGly (NM_001324012.1, NM_001324013.1); c.1602_1610dup, p.Gly537_Leu538insValAspGly (NM_001290307.3, NM_001323982.2, NM_001323983.1 and 2 more transcripts); c.1293_1301dup, p.Gly434_Leu435insValAspGly (NM_001290309.3); c.1233_1241dup, p.Gly414_Leu415insValAspGly (NM_001290310.3); c.1509_1517dup, p.Gly506_Leu507insValAspGly (NM_001323986.2).
Identifiers: ClinVar variation 4763095 (VCV004763095.1).